The following is an entry in ClinVar:

ClinVar aggregate classification (germline): Likely benign. Review status: criteria provided, multiple submitters, no conflicts (2 of 4 stars). 2 submissions from 2 submitters: Likely benign (2). Last evaluated 2026-08-01.

Allele frequency attached by ClinVar (database versions not stated): 1000 Genomes Project 30x 0.00016; 1000 Genomes Project 0.00020; TOPMed 0.00119; ESP Exome Variant Server 0.00131; gnomAD 0.00141; ExAC 0.00143; gnomAD exomes 0.00172.
gnomAD v4.1: 2,729 of 1,614,094 alleles (0.17%); highest among the groups gnomAD compares: Non-Finnish European, 0.2%; 6 homozygotes.

Submissions (2):

CeGaT Center for Human Genetics Tuebingen
Classification: Likely benign. Last evaluated: 2026-08-01. Review status: criteria provided, single submitter. Criteria: CeGaT Center For Human Genetics Tuebingen Variant Classification Criteria Version 2. Collection method: clinical testing. Allele origin: germline. Affected: yes. Observed: 12 variant alleles.
Comment: VPS16: BP4, BP7

Blueprint Genetics
Classification: Likely benign. Last evaluated: 2024-11-15. Review status: criteria provided, single submitter. Criteria: ACMG Guidelines, 2015. Collection method: clinical testing. Allele origin: germline.

NM_022575.4(VPS16):c.375G>A (p.Val125=)

Gene: VPS16 (VPS16 core subunit of CORVET and HOPS complexes; plus strand). Cytogenetic location: 20p13.
Variant type: single nucleotide variant.
Coding change: c.375G>A on transcript NM_022575.4 (MANE Select); coding-DNA position 375, G replaced by A.
Protein change: p.Val125=; no amino-acid change (valine 125 retained).
Molecular consequence: synonymous variant.
Genome position (GRCh38, 1-based): chr20:2,860,454, G>A. VCF-style: chr20-2860454-G-A. GRCh37 (hg19) VCF-style: chr20-2841100-G-A.
Other names: c.375G>A, p.Val125= (NM_080413.3).
Identifiers: ClinVar variation 2652157 (VCV002652157.25), dbSNP rs144621348, ClinGen allele CA9737335.